The following is an entry in ClinVar:

ClinVar aggregate classification (germline): Uncertain significance (1 of 4 stars; one submission).

Conditions:
Metachromatic leukodystrophy (MLD). Also called: SULFATIDE LIPIDOSIS; ARSA DEFICIENCY; CEREBROSIDE SULFATASE DEFICIENCY; METACHROMATIC LEUKOENCEPHALOPATHY; Cerebral sclerosis diffuse metachromatic form; Arylsulfatase A Deficiency. Identifiers: Orphanet 512, MedGen C0023522, MONDO:0018868, OMIM 250100.

Submission:

Labcorp Genetics (formerly Invitae), Labcorp
Classification: Uncertain significance for Metachromatic leukodystrophy. Last evaluated: 2022-06-01. Review status: criteria provided, single submitter. Criteria: Invitae Variant Classification Sherloc (09022015). Collection method: clinical testing. Allele origin: germline.
Comment: This sequence change replaces threonine, which is neutral and polar, with serine, which is neutral and polar, at codon 473 of the ARSA protein (p.Thr473Ser). This variant is not present in population databases (gnomAD no frequency). This variant has not been reported in the literature in individuals affected with ARSA-related conditions. ClinVar contains an entry for this variant (Variation ID: 1352755). Algorithms developed to predict the effect of missense changes on protein structure and function (SIFT, PolyPhen-2, Align-GVGD) all suggest that this variant is likely to be tolerated. In summary, the available evidence is currently insufficient to determine the role of this variant in disease. Therefore, it has been classified as a Variant of Uncertain Significance.

NM_000487.6(ARSA):c.1417A>T (p.Thr473Ser)

Gene: ARSA (arylsulfatase A; minus strand). Cytogenetic location: 22q13.33.
Variant type: single nucleotide variant.
Coding change: c.1417A>T on transcript NM_000487.6 (MANE Select); coding-DNA position 1417, A replaced by T.
Protein change: p.Thr473Ser; replaces threonine 473 with serine.
Molecular consequence: missense variant.
Genome position (GRCh38, 1-based): chr22:50,625,258, T>A on the plus strand (A>T on the coding strand, the complement: ARSA is on the minus strand). VCF-style: chr22-50625258-T-A. GRCh37 (hg19) VCF-style: chr22-51063686-T-A.
Other names: c.1417A>T, p.Thr473Ser (NM_001085425.3, NM_001085426.3, NM_001085427.3); c.1159A>T, p.Thr387Ser (NM_001085428.3, NM_001362782.2); short protein forms T387S, T473S.
Identifiers: ClinVar variation 1352755 (VCV001352755.3), dbSNP rs1603444852, ClinGen allele CA412167733.